The following is an entry in ClinVar:

NM_022114.4(PRDM16):c.2428C>T (p.Arg810Trp)

Gene: PRDM16 (PR/SET domain 16; plus strand). Cytogenetic location: 1p36.32.
Variant type: single nucleotide variant.
Coding change: c.2428C>T on transcript NM_022114.4 (MANE Select); coding-DNA position 2428, C replaced by T.
Protein change: p.Arg810Trp; replaces arginine 810 with tryptophan.
Molecular consequence: missense variant.
Genome position (GRCh38, 1-based): chr1:3,412,625, C>T. VCF-style: chr1-3412625-C-T. GRCh37 (hg19) VCF-style: chr1-3329189-C-T.
Other names: c.2428C>T, p.Arg810Trp (NM_199454.3); short protein forms R810W.
Identifiers: ClinVar variation 1401479 (VCV001401479.6), dbSNP rs776055411, ClinGen allele CA16967952.
Genomic context (GRCh38, chr1:3,412,625, plus strand): 5'-AAGGGCCCCTCGGCCCCCGCATCCGGCGAGGAGCAGCCGCTGGACCTGAGCATCGGCAGC[C>T]GGGCCCGTGCCAGCCAAAACGGCGGCGGGCGGGAGCCCCGCAAGAACCACGTCTATGGGG-3'
Protein context (NP_071397.3, residues 800-820): EQPLDLSIGS[Arg810Trp]ARASQNGGGR

ClinVar aggregate classification (germline): Uncertain significance. Review status: criteria provided, multiple submitters, no conflicts (2 of 4 stars). 2 submissions from 2 submitters: Uncertain significance (2). Last evaluated 2023-08-28.

Conditions:
Left ventricular noncompaction 8 (LVNC8). Identifiers: Orphanet 154, Orphanet 54260, MedGen C3809288, MONDO:0014152, OMIM 615373.

Allele frequency attached by ClinVar (database versions not stated): TOPMed below 0.00001; gnomAD 0.00001.
gnomAD v4.1: 10 of 1,582,558 alleles (0.00063%); highest among the groups gnomAD compares: South Asian, 0.0022%; no homozygotes.

Submissions (2):

ARUP Laboratories, Molecular Genetics and Genomics, ARUP Laboratories
Classification: Uncertain significance. Last evaluated: 2023-08-28. Review status: criteria provided, single submitter. Criteria: ARUP Molecular Germline Variant Investigation Process 2024. Collection method: clinical testing. Allele origin: germline.

Labcorp Genetics (formerly Invitae), Labcorp
Classification: Uncertain significance for Left ventricular noncompaction 8. Last evaluated: 2023-08-17. Review status: criteria provided, single submitter. Criteria: Invitae Variant Classification Sherloc (09022015). Collection method: clinical testing. Allele origin: germline.
Comment: In summary, the available evidence is currently insufficient to determine the role of this variant in disease. Therefore, it has been classified as a Variant of Uncertain Significance. An algorithm developed to predict the effect of missense changes on protein structure and function (PolyPhen-2) suggests that this variant is likely to be disruptive. This sequence change replaces arginine, which is basic and polar, with tryptophan, which is neutral and slightly polar, at codon 810 of the PRDM16 protein (p.Arg810Trp). The frequency data for this variant in the population databases is considered unreliable, as metrics indicate poor data quality at this position in the gnomAD database. This variant has not been reported in the literature in individuals affected with PRDM16-related conditions. ClinVar contains an entry for this variant (Variation ID: 1401479).